The following is an entry in ClinVar:

NM_000051.4(ATM):c.7308-18T>C

Genes: ATM (ATM serine/threonine kinase; plus strand), C11orf65 (chromosome 11 open reading frame 65; minus strand). Cytogenetic location: 11q22.3.
Variant type: single nucleotide variant.
Coding change: c.7308-18T>C on transcript NM_000051.4 (MANE Select); 18 bases into the intron before coding-DNA position 7308, T replaced by C.
Molecular consequence: intron variant.
Genome position (GRCh38, 1-based): chr11:108,330,196, T>C. VCF-style: chr11-108330196-T-C. GRCh37 (hg19) VCF-style: chr11-108200923-T-C.
Other names: c.*38+5024A>G (NM_001351110.2); c.7308-18T>C (NM_001351834.2); c.641-21125A>G (NM_001330368.2).
Identifiers: ClinVar variation 510452 (VCV000510452.3), dbSNP rs1473587970, ClinGen allele CA658797769.

ClinVar aggregate classification (germline): Likely benign (1 of 4 stars; one submission).

Submission:

GeneDx
Classification: Likely benign. Last evaluated: 2017-06-22. Review status: criteria provided, single submitter. Criteria: GeneDx Variant Classification (06012015). Collection method: clinical testing. Allele origin: germline. Affected: yes.
Comment: This variant is considered likely benign or benign based on one or more of the following criteria: it is a conservative change, it occurs at a poorly conserved position in the protein, it is predicted to be benign by multiple in silico algorithms, and/or has population frequency not consistent with disease.